The following is an entry in ClinVar:

NM_181789.4(GLDN):c.1428C>A (p.Phe476Leu)

Gene: GLDN (gliomedin; plus strand). Cytogenetic location: 15q21.2.
Variant type: single nucleotide variant.
Coding change: c.1428C>A on transcript NM_181789.4 (MANE Select); coding-DNA position 1428, C replaced by A.
Protein change: p.Phe476Leu; replaces phenylalanine 476 with leucine.
Molecular consequence: missense variant.
Genome position (GRCh38, 1-based): chr15:51,404,526, C>A. VCF-style: chr15-51404526-C-A. GRCh37 (hg19) VCF-style: chr15-51696723-C-A.
Other names: c.1428C>A (NM_181789.3); c.1056C>A, p.Phe352Leu (NM_001330297.2); short protein forms F476L, F352L.
Identifiers: ClinVar variation 452116 (VCV000452116.7), dbSNP rs750803388, ClinGen allele CA7560758.

ClinVar aggregate classification (germline): Pathogenic/Likely pathogenic. Review status: criteria provided, multiple submitters, no conflicts (2 of 4 stars). 3 submissions from 3 submitters: Pathogenic (1); Likely pathogenic (2). Last evaluated 2024-09-19.

Conditions:
Lethal congenital contracture syndrome 11 (LCCS11). Identifiers: MedGen C4310670, MONDO:0014965, OMIM 617194.
Fetal akinesia deformation sequence 1 (FADS1). Also called: Pena-Shokeir syndrome type I; Fetal akinesia sequence. Identifiers: Orphanet 994, MedGen C1276035, MONDO:0100101, OMIM 208150, HP:0001989.
Arthrogryposis multiplex congenita (AMC). Also called: Congenital multiple arthrogryposis; Fibrous ankylosis of multiple joints; Congenital arthromyodysplasia; Myodystrophia fetalis deformans; Otto syndrome; Rocher-Sheldon syndrome. Identifiers: Orphanet 1037, MedGen C5779613, MeSH D001176, MONDO:0015168, HP:0002804.

Allele frequency attached by ClinVar (database versions not stated): ExAC 0.00001; gnomAD 0.00002 and 0.00003; gnomAD exomes 0.00002; TOPMed 0.00004.
gnomAD v4.1: 35 of 1,614,054 alleles (0.0022%); highest among the groups gnomAD compares: Non-Finnish European, 0.0029%; no homozygotes.

Submissions (3):

Victorian Clinical Genetics Services, Murdoch Childrens Research Institute
Classification: Pathogenic for Lethal congenital contracture syndrome 11. Last evaluated: 2024-09-19. Review status: criteria provided, single submitter. Criteria: ACMG Guidelines, 2015. Collection method: clinical testing. Allele origin: germline. Inheritance: Autosomal recessive inheritance.
Comment: Based on the classification scheme VCGS_Germline_v1.3.4, this variant is classified as Pathogenic. Following criteria are met: 0102 - Loss of function is a known mechanism of disease in this gene and is associated with lethal congenital contracture syndrome 11 (MIM#617194). (I) 0106 - This gene is associated with autosomal recessive disease. (I) 0200 - Variant is predicted to result in a missense amino acid change from phenylalanine to leucine. (I) 0251 - This variant is heterozygous. (I) 0304 - Variant is present in gnomAD <0.01 for a recessive condition (v2: 6 heterozygotes, 0 homozygotes). (SP) 0501 - Missense variant consistently predicted to be damaging by multiple in silico tools or highly conserved with a major amino acid change. (SP) 0600 - Variant is located in the annotated olfactomedin-like domain (DECIPHER). (I) 0705 - No comparable missense variants have previous evidence for pathogenicity. (I) 0803 - This variant has limited previous evidence of pathogenicity in unrelated individuals. It has been reported in two affected individuals, both compound heterozygous with another missense (PMID: 28726266, 31680123). (SP) 1002 - This variant has moderate functional evidence supporting abnormal protein function. (I) Legend: (SP) - Supporting pathogenic, (I) - Information, (SB) - Supporting benign

Cirak Lab, University Hospital Cologne
Classification: Likely pathogenic for Arthrogryposis multiplex congenita; Fetal akinesia sequence. Last evaluated: 2019-06-28. Review status: criteria provided, single submitter. Criteria: ACMG Guidelines, 2015. Collection method: research. Allele origin: maternal. Affected: yes. Observed: 1 variant allele.

GeneDx
Classification: Likely pathogenic. Last evaluated: 2017-09-25. Review status: criteria provided, single submitter. Criteria: GeneDx Variant Classification (06012015). Collection method: clinical testing. Allele origin: germline. Affected: yes.
Comment: The F476L variant in the GLDN gene has been reported previously in the compound heterozygous state with a second GLDN variant in an infant with arthrogryposis multiplex congenita (Wambach et al., 2017). The F476L variant is not observed at a significant frequency in large population cohorts (Lek et al., 2016). The F476L variant is a conservative amino acid substitution, which is not likely to impact secondary protein structure as these residues share similar properties. This substitution occurs at a position that is conserved across species, and in silico analysis predicts this variant is probably damaging to the protein structure/function. We interpret F476L as a likely pathogenic variant.

Literature cited by the submitters: PubMed 28726266 (cited by Victorian Clinical Genetics Services, Murdoch Childrens Research Institute); PubMed 31680123 (cited by Victorian Clinical Genetics Services, Murdoch Childrens Research Institute and Cirak Lab, University Hospital Cologne); PubMed 32812332 (cited by Victorian Clinical Genetics Services, Murdoch Childrens Research Institute).